The following is an entry in ClinVar:

NM_182914.3(SYNE2):c.12355G>T (p.Val4119Leu)

Gene: SYNE2 (spectrin repeat containing nuclear envelope protein 2; plus strand). Cytogenetic location: 14q23.2.
Variant type: single nucleotide variant.
Coding change: c.12355G>T on transcript NM_182914.3 (MANE Select); coding-DNA position 12355, G replaced by T.
Protein change: p.Val4119Leu; replaces valine 4119 with leucine.
Molecular consequence: missense variant.
Genome position (GRCh38, 1-based): chr14:64,098,795, G>T. VCF-style: chr14-64098795-G-T. GRCh37 (hg19) VCF-style: chr14-64565513-G-T.
Other names: c.12355G>T, p.Val4119Leu (NM_015180.6); short protein forms V4119L.
Identifiers: ClinVar variation 2292678 (VCV002292678.3), dbSNP rs147675965, ClinGen allele CA7222094.

ClinVar aggregate classification (germline): Uncertain significance. Review status: criteria provided, multiple submitters, no conflicts (2 of 4 stars). 2 submissions from 2 submitters: Uncertain significance (2). Last evaluated 2025-03-31.

Conditions:
Emery-Dreifuss muscular dystrophy 5, autosomal dominant (EDMD5). Also called: EMERY-DREIFUSS MUSCULAR DYSTROPHY 5. Identifiers: Orphanet 261, MedGen C2751805, MONDO:0013072, OMIM 612999.

Allele frequency attached by ClinVar (database versions not stated): gnomAD exomes below 0.00001; ExAC 0.00001; gnomAD 0.00003; TOPMed 0.00004; ESP Exome Variant Server 0.00008.

Submissions (2):

Labcorp Genetics (formerly Invitae), Labcorp
Classification: Uncertain significance for Emery-Dreifuss muscular dystrophy 5, autosomal dominant. Last evaluated: 2025-03-31. Review status: criteria provided, single submitter. Criteria: Invitae Variant Classification Sherloc (09022015). Collection method: clinical testing. Allele origin: germline.
Comment: This sequence change replaces valine, which is neutral and non-polar, with leucine, which is neutral and non-polar, at codon 4119 of the SYNE2 protein (p.Val4119Leu). This variant is present in population databases (rs147675965, gnomAD 0.02%). This variant has not been reported in the literature in individuals affected with SYNE2-related conditions. ClinVar contains an entry for this variant (Variation ID: 2292678). An algorithm developed to predict the effect of missense changes on protein structure and function (PolyPhen-2) suggests that this variant is likely to be tolerated. In summary, the available evidence is currently insufficient to determine the role of this variant in disease. Therefore, it has been classified as a Variant of Uncertain Significance.

Ambry Genetics
Classification: Uncertain significance. Last evaluated: 2022-05-27. Review status: criteria provided, single submitter. Criteria: Ambry Variant Classification Scheme 2023. Collection method: clinical testing. Allele origin: germline.